The following is an entry in ClinVar:

NM_182914.3(SYNE2):c.11411C>G (p.Thr3804Ser)

Gene: SYNE2 (spectrin repeat containing nuclear envelope protein 2; plus strand). Cytogenetic location: 14q23.2.
Variant type: single nucleotide variant.
Coding change: c.11411C>G on transcript NM_182914.3 (MANE Select); coding-DNA position 11411, C replaced by G.
Protein change: p.Thr3804Ser; replaces threonine 3804 with serine.
Molecular consequence: missense variant.
Genome position (GRCh38, 1-based): chr14:64,081,507, C>G. VCF-style: chr14-64081507-C-G. GRCh37 (hg19) VCF-style: chr14-64548225-C-G.
Other names: c.11411C>G, p.Thr3804Ser (NM_015180.6); short protein forms T3804S.
Identifiers: ClinVar variation 573606 (VCV000573606.9), dbSNP rs367893963, ClinGen allele CA7221775.

ClinVar aggregate classification (germline): Uncertain significance. Review status: criteria provided, multiple submitters, no conflicts (2 of 4 stars). 2 submissions from 2 submitters: Uncertain significance (2). Last evaluated 2025-09-21.

Conditions:
Emery-Dreifuss muscular dystrophy 5, autosomal dominant (EDMD5). Also called: EMERY-DREIFUSS MUSCULAR DYSTROPHY 5. Identifiers: Orphanet 261, MedGen C2751805, MONDO:0013072, OMIM 612999.

Allele frequency attached by ClinVar (database versions not stated): gnomAD 0.00001; TOPMed 0.00001; ExAC 0.00002; gnomAD exomes 0.00002; ESP Exome Variant Server 0.00008.
gnomAD v4.1: 80 of 1,614,004 alleles (0.005%); highest among the groups gnomAD compares: Non-Finnish European, 0.0064%; no homozygotes.

Submissions (2):

Labcorp Genetics (formerly Invitae), Labcorp
Classification: Uncertain significance for Emery-Dreifuss muscular dystrophy 5, autosomal dominant. Last evaluated: 2025-09-21. Review status: criteria provided, single submitter. Criteria: Invitae Variant Classification Sherloc (09022015). Collection method: clinical testing. Allele origin: germline.
Comment: This sequence change replaces threonine, which is neutral and polar, with serine, which is neutral and polar, at codon 3804 of the SYNE2 protein (p.Thr3804Ser). This variant is present in population databases (rs367893963, gnomAD 0.005%). This variant has not been reported in the literature in individuals affected with SYNE2-related conditions. ClinVar contains an entry for this variant (Variation ID: 573606). An algorithm developed to predict the effect of missense changes on protein structure and function (PolyPhen-2) suggests that this variant is likely to be disruptive. In summary, the available evidence is currently insufficient to determine the role of this variant in disease. Therefore, it has been classified as a Variant of Uncertain Significance.

Ambry Genetics
Classification: Uncertain significance. Last evaluated: 2024-11-11. Review status: criteria provided, single submitter. Criteria: Ambry Variant Classification Scheme 2023. Collection method: clinical testing. Allele origin: germline.